The following is an entry in ClinVar:

ClinVar aggregate classification (germline): Uncertain significance (1 of 4 stars; one submission).

Submission:

Greenwood Genetic Center Diagnostic Laboratories, Greenwood Genetic Center
Classification: Uncertain significance. Last evaluated: 2025-02-17. Review status: criteria provided, single submitter. Criteria: ACMG Guidelines, 2015. Collection method: clinical testing. Allele origin: germline.
Comment: PM2, BP4

NM_000426.4(LAMA2):c.898C>G (p.Pro300Ala)

Gene: LAMA2 (laminin subunit alpha 2; plus strand). Cytogenetic location: 6q22.33.
Variant type: single nucleotide variant.
Coding change: c.898C>G on transcript NM_000426.4 (MANE Select); coding-DNA position 898, C replaced by G.
Protein change: p.Pro300Ala; replaces proline 300 with alanine.
Molecular consequence: missense variant.
Genome position (GRCh38, 1-based): chr6:129,147,037, C>G. VCF-style: chr6-129147037-C-G. GRCh37 (hg19) VCF-style: chr6-129468182-C-G.
Other names: c.898C>G, p.Pro300Ala (NM_001079823.2); short protein forms P300A.
Identifiers: ClinVar variation 4851669 (VCV004851669.1).